The following is an entry in ClinVar:

ClinVar aggregate classification (germline): Uncertain significance (1 of 4 stars; one submission).

gnomAD v4.1: 25 of 1,613,680 alleles (0.0015%); highest among the groups gnomAD compares: East Asian, 0.0045%; 1 homozygote.

Submission:

Labcorp Genetics (formerly Invitae), Labcorp
Classification: Uncertain significance. Last evaluated: 2022-07-09. Review status: criteria provided, single submitter. Criteria: Invitae Variant Classification Sherloc (09022015). Collection method: clinical testing. Allele origin: germline.
Comment: This sequence change replaces glycine, which is neutral and non-polar, with arginine, which is basic and polar, at codon 535 of the TSPEAR protein (p.Gly535Arg). This variant is present in population databases (rs782747710, gnomAD 0.01%), including at least one homozygous and/or hemizygous individual. This variant has not been reported in the literature in individuals affected with TSPEAR-related conditions. Algorithms developed to predict the effect of missense changes on protein structure and function are either unavailable or do not agree on the potential impact of this missense change (SIFT: "Deleterious"; PolyPhen-2: "Benign"; Align-GVGD: "Class C0"). In summary, the available evidence is currently insufficient to determine the role of this variant in disease. Therefore, it has been classified as a Variant of Uncertain Significance.

NM_144991.3(TSPEAR):c.1603G>A (p.Gly535Arg)

Genes: TSPEAR (thrombospondin type laminin G domain and EAR repeats; minus strand), TSPEAR-AS1 (TSPEAR antisense RNA 1; plus strand), LOC126653398 (CDK7 strongly-dependent group 2 enhancer GRCh37_chr21:45928270-45929469; plus strand). Cytogenetic location: 21q22.3.
Variant type: single nucleotide variant.
Coding change: c.1603G>A on transcript NM_144991.3 (MANE Select); coding-DNA position 1603, G replaced by A.
Protein change: p.Gly535Arg; replaces glycine 535 with arginine.
Molecular consequence: missense variant. On other transcripts: non-coding transcript variant (1).
Genome position (GRCh38, 1-based): chr21:44,509,350, C>T on the plus strand (G>A on the coding strand, the complement: TSPEAR is on the minus strand). VCF-style: chr21-44509350-C-T. GRCh37 (hg19) VCF-style: chr21-45929233-C-T.
Other names: c.1399G>A, p.Gly467Arg (NM_001272037.2); short protein forms G535R, G467R.
Identifiers: ClinVar variation 1917020 (VCV001917020.5), dbSNP rs782747710, ClinGen allele CA10056438.